The following is an entry in ClinVar:

ClinVar aggregate classification (germline): Uncertain significance (1 of 4 stars; one submission).

Submission:

Ambry Genetics
Classification: Uncertain significance. Last evaluated: 2024-06-22. Review status: criteria provided, single submitter. Criteria: Ambry Variant Classification Scheme 2023. Collection method: clinical testing. Allele origin: germline.
Comment: The p.D762N variant (also known as c.2284G>A), located in coding exon 12 of the PALLD gene, results from a G to A substitution at nucleotide position 2284. The aspartic acid at codon 762 is replaced by asparagine, an amino acid with highly similar properties. This amino acid position is conserved. In addition, this alteration is predicted to be tolerated by in silico analysis. Based on the available evidence, the clinical significance of this variant remains unclear.

NM_001166108.2(PALLD):c.2335G>A (p.Asp779Asn)

Genes: CBR4 (carbonyl reductase 4; minus strand), PALLD (palladin, cytoskeletal associated protein; plus strand). Cytogenetic location: 4q32.3.
Variant type: single nucleotide variant.
Coding change: c.2335G>A on transcript NM_001166108.2 (MANE Select); coding-DNA position 2335, G replaced by A.
Protein change: p.Asp779Asn; replaces aspartic acid 779 with asparagine.
Molecular consequence: missense variant.
Genome position (GRCh38, 1-based): chr4:168,898,577, G>A. VCF-style: chr4-168898577-G-A. GRCh37 (hg19) VCF-style: chr4-169819728-G-A.
Other names: c.1138G>A, p.Asp380Asn (NM_001166109.2); c.823G>A, p.Asp275Asn (NM_001166110.2); c.163G>A, p.Asp55Asn (NM_001367567.1, NM_001367569.1); c.214G>A, p.Asp72Asn (NM_001367568.1, NM_001367570.1); c.2284G>A, p.Asp762Asn (NM_016081.4); short protein forms D380N, D72N, D762N, D779N, D275N, D55N.
Identifiers: ClinVar variation 3304122 (VCV003304122.1).